The following is an entry in ClinVar:

ClinVar aggregate classification (germline): Uncertain significance (1 of 4 stars; one submission).

Submission:

CeGaT Center for Human Genetics Tuebingen
Classification: Uncertain significance. Last evaluated: 2023-07-01. Review status: criteria provided, single submitter. Criteria: CeGaT Center For Human Genetics Tuebingen Variant Classification Criteria Version 2. Collection method: clinical testing. Allele origin: germline. Affected: yes. Observed: 1 variant allele.
Comment: SAMD9L: PM2

NM_152703.5(SAMD9L):c.3352T>C (p.Tyr1118His)

Gene: SAMD9L (sterile alpha motif domain containing 9 like; minus strand). Cytogenetic location: 7q21.2.
Variant type: single nucleotide variant.
Coding change: c.3352T>C on transcript NM_152703.5 (MANE Select); coding-DNA position 3352, T replaced by C.
Protein change: p.Tyr1118His; replaces tyrosine 1118 with histidine.
Molecular consequence: missense variant.
Genome position (GRCh38, 1-based): chr7:93,132,620, A>G on the plus strand (T>C on the coding strand, the complement: SAMD9L is on the minus strand). VCF-style: chr7-93132620-A-G. GRCh37 (hg19) VCF-style: chr7-92761933-A-G.
Other names: c.3352T>C, p.Tyr1118His (NM_001303496.3, NM_001303497.3, NM_001303498.3 and 5 more transcripts); short protein forms Y1118H.
Identifiers: ClinVar variation 2657676 (VCV002657676.24), dbSNP rs2535413116, ClinGen allele CA368183217.